The following is an entry in ClinVar:

ClinVar aggregate classification (germline): Uncertain significance (1 of 4 stars; one submission).

Submission:

GeneDx
Classification: Uncertain significance. Last evaluated: 2024-12-07. Review status: criteria provided, single submitter. Criteria: GeneDx Variant Classification Process June 2021. Collection method: clinical testing. Allele origin: germline. Affected: yes.
Comment: Not observed at significant frequency in large population cohorts (gnomAD); In silico analysis indicates that this missense variant does not alter protein structure/function; Has not been previously published as pathogenic or benign to our knowledge

NM_004606.5(TAF1):c.3118T>G (p.Ser1040Ala)

Gene: TAF1 (TATA-box binding protein associated factor 1; plus strand). Cytogenetic location: Xq13.1.
Variant type: single nucleotide variant.
Coding change: c.3118T>G on transcript NM_004606.5 (MANE Select); coding-DNA position 3118, T replaced by G.
Protein change: p.Ser1040Ala; replaces serine 1040 with alanine.
Molecular consequence: missense variant. On other transcripts: non-coding transcript variant (9).
Genome position (GRCh38, 1-based): chrX:71,393,367, T>G. VCF-style: chrX-71393367-T-G. GRCh37 (hg19) VCF-style: chrX-70613217-T-G.
Other names: c.3118T>G, p.Ser1040Ala (NM_001286074.2); c.3055T>G, p.Ser1019Ala (NM_138923.4); short protein forms S1019A, S1040A.
Identifiers: ClinVar variation 3901353 (VCV003901353.1).
Genomic context (GRCh38, chrX:71,393,367, plus strand): 5'-AAGTTGTCCCGCTGGGAAGTGATTGATGTGGTGCGCACAATGTCAACAGAACAGGCTCGT[T>G]CTGGAGAGGGGCCCATGAGTAAATTTGCCCGTGGATCAAGGTTTTCTGTGGCTGAGCATC-3'
Protein context (NP_004597.3, residues 1030-1050): VRTMSTEQAR[Ser1040Ala]GEGPMSKFAR